The following is an entry in ClinVar:

ClinVar aggregate classification (germline): Likely pathogenic. Review status: criteria provided, multiple submitters, no conflicts (2 of 4 stars). 2 submissions from 2 submitters: Likely pathogenic (2). Last evaluated 2025-06-30.

Conditions:
Carnitine deficiency. Identifiers: MedGen C1142132.
Inborn errors of metabolism. Also called: Inborn error of metabolism. Identifiers: Orphanet 68367, MedGen C0025521, MONDO:0019052.

Submissions (2):

North West Genomic Laboratory Hub, Manchester University NHS Foundation Trust
Classification: Likely pathogenic for Inborn error of metabolism. Last evaluated: 2025-06-30. Review status: criteria provided, single submitter. Criteria: ACGS Best Practice Guidelines for Variant Classification in Rare Disease 2024. Collection method: clinical testing. Allele origin: germline. Affected: yes.
Comment: PP3_Supp PM3_Mod PP4_Mod PM2_Mod

Natera, Inc.
Classification: Likely pathogenic for Carnitine deficiency. Last evaluated: 2025-06-25. Review status: criteria provided, single submitter. Criteria: Natera Variant Classification Schema (03/2026). Collection method: clinical testing. Allele origin: germline.
Comment: The c.847T>A variant in SLC22A5 is a missense variant predicted to cause substitution of tryptophan to arginine at amino acid 283. This variant is rare in the general population with a frequency below the threshold expected for the associated phenotype(s). This variant has been observed in one or more individuals affected with the associated recessive disease, as either homozygous or compound heterozygous with a second variant (PMID: 16652335, 10612840). Functional studies show that this variant may disrupt protein function (PMID: 16652335, 10612840). Computational prediction algorithms indicate this variant is likely to affect gene or protein function. Given the available evidence, this variant is classified as Likely Pathogenic.

Literature cited by the submitters: PubMed 16652335 (cited by Natera, Inc.); PubMed 10612840 (cited by Natera, Inc.).

NM_003060.4(SLC22A5):c.847T>A (p.Trp283Arg)

Gene: SLC22A5 (solute carrier family 22 member 5; plus strand). Cytogenetic location: 5q31.1.
Variant type: single nucleotide variant.
Coding change: c.847T>A on transcript NM_003060.4 (MANE Select); coding-DNA position 847, T replaced by A.
Protein change: p.Trp283Arg; replaces tryptophan 283 with arginine.
Molecular consequence: missense variant.
Genome position (GRCh38, 1-based): chr5:132,387,047, T>A. VCF-style: chr5-132387047-T-A. GRCh37 (hg19) VCF-style: chr5-131722739-T-A.
Other names: c.919T>A, p.Trp307Arg (NM_001308122.2); c.847T>A (NM_003060.3); short protein forms W283R, W307R.
Identifiers: ClinVar variation 4815093 (VCV004815093.2), dbSNP rs72552729.
Genomic context (GRCh38, chr5:132,387,047, plus strand): 5'-CAGGGAGGCCTCACTGAGATTGGACCTTGTACTGCCAGGTTCATCCCTGAGTCCCCCCGA[T>A]GGCTCATCTCTCAGGGACGATTTGAAGAGGCAGAGGTGATCATCCGCAAGGCTGCCAAAG-3'
Protein context (NP_003051.1, residues 273-293): LWWFIPESPR[Trp283Arg]LISQGRFEEA